The following is an entry in ClinVar:

ClinVar aggregate classification (germline): Uncertain significance (1 of 4 stars; one submission).

Submission:

Labcorp Genetics (formerly Invitae), Labcorp
Classification: Uncertain significance. Last evaluated: 2022-05-06. Review status: criteria provided, single submitter. Criteria: Invitae Variant Classification Sherloc (09022015). Collection method: clinical testing. Allele origin: germline.
Comment: In summary, the available evidence is currently insufficient to determine the role of this variant in disease. Therefore, it has been classified as a Variant of Uncertain Significance. Algorithms developed to predict the effect of sequence changes on RNA splicing suggest that this variant may disrupt the consensus splice site. Algorithms developed to predict the effect of missense changes on protein structure and function are either unavailable or do not agree on the potential impact of this missense change (SIFT: "Tolerated"; PolyPhen-2: "Probably Damaging"; Align-GVGD: "Class C0"). This variant has not been reported in the literature in individuals affected with SZT2-related conditions. This variant is not present in population databases (gnomAD no frequency). This sequence change replaces glutamine, which is neutral and polar, with proline, which is neutral and non-polar, at codon 1379 of the SZT2 protein (p.Gln1379Pro).

NM_001365999.1(SZT2):c.4307A>C (p.Gln1436Pro)

Gene: SZT2 (SZT2 subunit of KICSTOR complex; plus strand). Cytogenetic location: 1p34.2.
Variant type: single nucleotide variant.
Coding change: c.4307A>C on transcript NM_001365999.1 (MANE Select); coding-DNA position 4307, A replaced by C.
Protein change: p.Gln1436Pro; replaces glutamine 1436 with proline.
Molecular consequence: missense variant.
Genome position (GRCh38, 1-based): chr1:43,429,843, A>C. VCF-style: chr1-43429843-A-C. GRCh37 (hg19) VCF-style: chr1-43895514-A-C.
Other names: c.4136A>C, p.Gln1379Pro (NM_015284.4); short protein forms Q1379P, Q1436P.
Identifiers: ClinVar variation 2134537 (VCV002134537.4), dbSNP rs2545824958, ClinGen allele CA340020744.